The following is an entry in ClinVar:

ClinVar aggregate classification (germline): Pathogenic. Review status: criteria provided, multiple submitters, no conflicts (2 of 4 stars). 2 submissions from 2 submitters: Pathogenic (2). Last evaluated 2023-06-27.

Conditions:
Familial cancer of breast. Also called: Hereditary breast cancer; BREAST CANCER, FAMILIAL; hereditary breast carcinoma. Identifiers: Orphanet 227535, MedGen C0346153, MONDO:0016419, OMIM 114480. Disease mechanism: loss of function.

Submissions (2):

Myriad Genetics, Inc.
Classification: Pathogenic for Familial cancer of breast. Last evaluated: 2023-06-27. Review status: criteria provided, single submitter. Criteria: Myriad Autosomal Dominant, Autosomal Recessive and X-Linked Classification Criteria (2023). Collection method: clinical testing. Allele origin: unknown.
Comment: This variant is considered pathogenic. This variant creates a termination codon and is predicted to result in premature protein truncation.

Labcorp Genetics (formerly Invitae), Labcorp
Classification: Pathogenic for Familial cancer of breast. Last evaluated: 2022-11-21. Review status: criteria provided, single submitter. Criteria: Invitae Variant Classification Sherloc (09022015). Collection method: clinical testing. Allele origin: germline.
Comment: For these reasons, this variant has been classified as Pathogenic. This variant has not been reported in the literature in individuals affected with CHEK2-related conditions. This variant is not present in population databases (gnomAD no frequency). This sequence change creates a premature translational stop signal (p.Lys279*) in the CHEK2 gene. It is expected to result in an absent or disrupted protein product. Loss-of-function variants in CHEK2 are known to be pathogenic (PMID: 21876083, 24713400).

Literature cited by the submitters: PubMed 21876083 (cited by Labcorp Genetics (formerly Invitae), Labcorp); PubMed 24713400 (cited by Labcorp Genetics (formerly Invitae), Labcorp).

NM_007194.4(CHEK2):c.835A>T (p.Lys279Ter)

Gene: CHEK2 (checkpoint kinase 2; minus strand). Cytogenetic location: 22q12.1.
Variant type: single nucleotide variant.
Coding change: c.835A>T on transcript NM_007194.4 (MANE Select); coding-DNA position 835, A replaced by T.
Protein change: p.Lys279Ter; replaces lysine 279 with a stop codon.
Molecular consequence: nonsense.
Genome position (GRCh38, 1-based): chr22:28,710,017, T>A on the plus strand (A>T on the coding strand, the complement: CHEK2 is on the minus strand). VCF-style: chr22-28710017-T-A. GRCh37 (hg19) VCF-style: chr22-29106005-T-A.
Other names: c.964A>T, p.Lys322Ter (NM_001005735.3); c.172A>T, p.Lys58Ter (NM_001257387.3); c.634A>T, p.Lys212Ter (NM_001349956.3); c.835A>T, p.Lys279Ter (NM_145862.3); short protein forms K212*, K279*, K322*, K58*.
Identifiers: ClinVar variation 2583354 (VCV002583354.5), dbSNP rs2517942643, ClinGen allele CA411102319.
Genomic context (GRCh38, chr22:28,710,017, plus strand): 5'-ATATTTTGAGATAGATAAATCTAAGTATGAGTCATATAATAATACTTACATGATTTAGCT[T>A]TTTCAAAATTTCTATTTCTGTTTCAACATTGAGAGCTGGGTCCTTTGATAAACAGAATAA-3'